The following is an entry in ClinVar:

ClinVar aggregate classification (germline): Uncertain significance. Review status: criteria provided, multiple submitters, no conflicts (2 of 4 stars). 2 submissions from 2 submitters: Uncertain significance (2). Last evaluated 2024-05-04.

Conditions:
Choanal atresia-athelia-hypothyroidism-delayed puberty-short stature syndrome (BCAHH). Also called: BRANCHIAL ARCH ABNORMALITIES, CHOANAL ATRESIA, ATHELIA, HEARING LOSS, AND HYPOTHYROIDISM SYNDROME. Identifiers: Orphanet 589856, MedGen C5680310, MONDO:0035651, OMIM 620186.
Kabuki syndrome 1 (KABUK1). Also called: KMT2D-Related Kabuki Syndrome. Identifiers: Orphanet 2322, MedGen CN030661, MONDO:0007843, OMIM 147920.
Kabuki syndrome. Also called: NIIKAWA-KUROKI SYNDROME; Kabuki make-up syndrome. Identifiers: Orphanet 2322, MedGen C0796004, MONDO:0016512.

Submissions (2):

Fulgent Genetics
Classification: Uncertain significance for Kabuki syndrome 1; Choanal atresia-athelia-hypothyroidism-delayed puberty-short stature syndrome. Last evaluated: 2024-05-04. Review status: criteria provided, single submitter. Criteria: ACMG Guidelines, 2015. Collection method: clinical testing. Allele origin: germline.

Labcorp Genetics (formerly Invitae), Labcorp
Classification: Uncertain significance for Kabuki syndrome. Last evaluated: 2022-12-24. Review status: criteria provided, single submitter. Criteria: Invitae Variant Classification Sherloc (09022015). Collection method: clinical testing. Allele origin: germline.
Comment: This variant has not been reported in the literature in individuals affected with KMT2D-related conditions. Advanced modeling of protein sequence and biophysical properties (such as structural, functional, and spatial information, amino acid conservation, physicochemical variation, residue mobility, and thermodynamic stability) performed at Invitae indicates that this missense variant is not expected to disrupt KMT2D protein function. In summary, the available evidence is currently insufficient to determine the role of this variant in disease. Therefore, it has been classified as a Variant of Uncertain Significance. This variant is not present in population databases (gnomAD no frequency). This sequence change replaces serine, which is neutral and polar, with glycine, which is neutral and non-polar, at codon 2768 of the KMT2D protein (p.Ser2768Gly).

NM_003482.4(KMT2D):c.8302A>G (p.Ser2768Gly)

Gene: KMT2D (lysine methyltransferase 2D; minus strand). Cytogenetic location: 12q13.12.
Variant type: single nucleotide variant.
Coding change: c.8302A>G on transcript NM_003482.4 (MANE Select); coding-DNA position 8302, A replaced by G.
Protein change: p.Ser2768Gly; replaces serine 2768 with glycine.
Molecular consequence: missense variant.
Genome position (GRCh38, 1-based): chr12:49,039,286, T>C on the plus strand (A>G on the coding strand, the complement: KMT2D is on the minus strand). VCF-style: chr12-49039286-T-C. GRCh37 (hg19) VCF-style: chr12-49433069-T-C.
Other names: short protein forms S2768G.
Identifiers: ClinVar variation 2823954 (VCV002823954.4), dbSNP rs2498391217, ClinGen allele CA384742836.
Genomic context (GRCh38, chr12:49,039,286, plus strand): 5'-TGTTCACATCCATAGAGGAAGGCGTGGCTGGTGGAGGTGGCCGGGAGAGTCGGTCATCGC[T>C]AGGGAAGGACCCTGGCCCCAGGATGGGGCCACTCAGCTTGCTTGGGGGCAACCCCACAAG-3'
Protein context (NP_003473.3, residues 2758-2778): GPILGPGSFP[Ser2768Gly]DDRLSRPPPP